The following is an entry in ClinVar:

ClinVar aggregate classification (germline): Uncertain significance (1 of 4 stars; one submission).

gnomAD v4.1: 60 of 1,580,438 alleles (0.0038%); highest among the groups gnomAD compares: Non-Finnish European, 0.0052%; no homozygotes.

Submission:

Labcorp Genetics (formerly Invitae), Labcorp
Classification: Uncertain significance. Last evaluated: 2025-07-23. Review status: criteria provided, single submitter. Criteria: Invitae Variant Classification Sherloc (09022015). Collection method: clinical testing. Allele origin: germline.
Comment: This sequence change replaces tyrosine, which is neutral and polar, with cysteine, which is neutral and slightly polar, at codon 245 of the IL12RB2 protein (p.Tyr245Cys). This variant is present in population databases (no rsID available, gnomAD 0.002%). This variant has not been reported in the literature in individuals affected with IL12RB2-related conditions. ClinVar contains an entry for this variant (Variation ID: 3614742). An algorithm developed to predict the effect of missense changes on protein structure and function (PolyPhen-2) suggests that this variant is likely to be disruptive. In summary, the available evidence is currently insufficient to determine the role of this variant in disease. Therefore, it has been classified as a Variant of Uncertain Significance.

NM_001374259.2(IL12RB2):c.734A>G (p.Tyr245Cys)

Gene: IL12RB2 (interleukin 12 receptor subunit beta 2; plus strand). Cytogenetic location: 1p31.3.
Variant type: single nucleotide variant.
Coding change: c.734A>G on transcript NM_001374259.2 (MANE Select); coding-DNA position 734, A replaced by G.
Protein change: p.Tyr245Cys; replaces tyrosine 245 with cysteine.
Molecular consequence: missense variant. On other transcripts: non-coding transcript variant (2).
Genome position (GRCh38, 1-based): chr1:67,329,656, A>G. VCF-style: chr1-67329656-A-G. GRCh37 (hg19) VCF-style: chr1-67795339-A-G.
Other names: c.734A>G, p.Tyr245Cys (NM_001258214.1, NM_001258215.1, NM_001258216.1 and 2 more transcripts); short protein forms Y245C.
Identifiers: ClinVar variation 3614742 (VCV003614742.2).
Genomic context (GRCh38, chr1:67,329,656, plus strand): 5'-TTCCTCCGTGGGACATTAGAATCAAATTTCAAAAGGCTTCTGTGAGCAGATGTACCCTTT[A>G]TTGGAGAGATGAGGGACTGGTACTGCTTAATCGACTCAGATATCGGCCCAGTAACAGCAG-3'
Protein context (NP_001361188.1, residues 235-255): QKASVSRCTL[Tyr245Cys]WRDEGLVLLN